The following is an entry in ClinVar:

NM_006214.4(PHYH):c.856G>A (p.Asp286Asn)

Gene: PHYH (phytanoyl-CoA 2-hydroxylase; minus strand). Cytogenetic location: 10p13.
Variant type: single nucleotide variant.
Coding change: c.856G>A on transcript NM_006214.4 (MANE Select); coding-DNA position 856, G replaced by A.
Protein change: p.Asp286Asn; replaces aspartic acid 286 with asparagine.
Molecular consequence: missense variant.
Genome position (GRCh38, 1-based): chr10:13,281,083, C>T on the plus strand (G>A on the coding strand, the complement: PHYH is on the minus strand). VCF-style: chr10-13281083-C-T. GRCh37 (hg19) VCF-style: chr10-13323083-C-T.
Other names: c.556G>A, p.Asp186Asn (NM_001037537.2, NM_001323080.2); c.862G>A, p.Asp288Asn (NM_001323082.2); c.592G>A, p.Asp198Asn (NM_001323083.2); c.562G>A, p.Asp188Asn (NM_001323084.2); short protein forms D286N, D188N, D186N, D198N, D288N.
Identifiers: ClinVar variation 969699 (VCV000969699.7), dbSNP rs538686726, ClinGen allele CA5412216.

ClinVar aggregate classification (germline): Uncertain significance (1 of 4 stars; one submission).

Allele frequency attached by ClinVar (database versions not stated): 1000 Genomes Project 30x 0.00016; 1000 Genomes Project 0.00020; TOPMed 0.00001.
gnomAD v4.1: 93 of 1,614,150 alleles (0.0058%); highest among the groups gnomAD compares: South Asian, 0.082%; 3 homozygotes.

Submission:

Labcorp Genetics (formerly Invitae), Labcorp
Classification: Uncertain significance. Last evaluated: 2022-07-26. Review status: criteria provided, single submitter. Criteria: Invitae Variant Classification Sherloc (09022015). Collection method: clinical testing. Allele origin: germline.
Comment: This sequence change replaces aspartic acid, which is acidic and polar, with asparagine, which is neutral and polar, at codon 286 of the PHYH protein (p.Asp286Asn). This variant is present in population databases (rs538686726, gnomAD 0.08%). This variant has not been reported in the literature in individuals affected with PHYH-related conditions. ClinVar contains an entry for this variant (Variation ID: 969699). Algorithms developed to predict the effect of missense changes on protein structure and function output the following: SIFT: "Tolerated"; PolyPhen-2: "Benign"; Align-GVGD: "Class C0". The asparagine amino acid residue is found in multiple mammalian species, which suggests that this missense change does not adversely affect protein function. In summary, the available evidence is currently insufficient to determine the role of this variant in disease. Therefore, it has been classified as a Variant of Uncertain Significance.